The following is an entry in ClinVar:

NM_020533.3(MCOLN1):c.1384G>T (p.Glu462Ter)

Gene: MCOLN1 (mucolipin TRP cation channel 1; plus strand). Cytogenetic location: 19p13.2.
Variant type: single nucleotide variant.
Coding change: c.1384G>T on transcript NM_020533.3 (MANE Select); coding-DNA position 1384, G replaced by T.
Protein change: p.Glu462Ter; replaces glutamic acid 462 with a stop codon.
Molecular consequence: nonsense.
Genome position (GRCh38, 1-based): chr19:7,530,310, G>T. VCF-style: chr19-7530310-G-T. GRCh37 (hg19) VCF-style: chr19-7595196-G-T.
Other names: short protein forms E462*.
Identifiers: ClinVar variation 3901268 (VCV003901268.1).

ClinVar aggregate classification (germline): Likely pathogenic (0 of 4 stars; one submission).

Conditions:
Mucolipidosis type IV (ML4). Also called: ML IV. Identifiers: Orphanet 578, MedGen C0238286, MONDO:0009653, OMIM 252650.

Submission:

Dr. Oladnabi Research Group, Golestan University of Medical Sciences
Classification: Likely pathogenic for Mucolipidosis type IV. Review status: no assertion criteria provided. Collection method: clinical testing. Allele origin: inherited. Inheritance: Autosomal recessive inheritance. Affected: yes. Observed: 1 homozygote.
Comment: The novel MCOLN1 variant (c.1384G>T) results in the introduction of a premature stop codon at position 462 (p.Glu462Ter), leading to early termination of translation and predicted loss of normal protein function through nonsense-mediated mRNA decay or the production of a truncated, nonfunctional protein. According to ACMG guidelines, it is classified as likely pathogenic, supported by PVS1 (Very Strong)—The variant is a null (nonsense) mutation in MCOLN1, a gene where loss of function is a well-established mechanism of disease—and PM2 (Moderate)—The variant is extremely rare and not observed in large population databases such as gnomAD.

Literature cited by the submitters: DOI 10.1016/j.ymgme.2011.06.006.